The following is an entry in ClinVar:

ClinVar aggregate classification (germline): Pathogenic (1 of 4 stars; one submission).

Submission:

Labcorp Genetics (formerly Invitae), Labcorp
Classification: Pathogenic. Last evaluated: 2022-04-06. Review status: criteria provided, single submitter. Criteria: Invitae Variant Classification Sherloc (09022015). Collection method: clinical testing. Allele origin: germline.
Comment: This variant has not been reported in the literature in individuals affected with PROSC-related conditions. For these reasons, this variant has been classified as Pathogenic. This variant is not present in population databases (gnomAD no frequency). This sequence change creates a premature translational stop signal (p.Trp2*) in the PROSC gene. It is expected to result in an absent or disrupted protein product. Loss-of-function variants in PROSC are known to be pathogenic (PMID: 27912044).

Literature cited by the submitters: PubMed 27912044.

NM_007198.4(PLPBP):c.6G>A (p.Trp2Ter)

Genes: PLPBP (pyridoxal phosphate binding protein; plus strand), LOC113788277 (Sharpr-MPRA regulatory region 13802; plus strand). Cytogenetic location: 8p11.23.
Variant type: single nucleotide variant.
Coding change: c.6G>A on transcript NM_007198.4 (MANE Select); coding-DNA position 6, G replaced by A.
Protein change: p.Trp2Ter; replaces tryptophan 2 with a stop codon.
Molecular consequence: nonsense. On other transcripts: 5 prime UTR variant (1).
Genome position (GRCh38, 1-based): chr8:37,762,665, G>A. VCF-style: chr8-37762665-G-A. GRCh37 (hg19) VCF-style: chr8-37620183-G-A.
Other names: c.6G>A, p.Trp2Ter (NM_001349346.2, NM_001349347.2); c.-93G>A (NM_001349348.2); c.111G>A, p.Trp37Ter (NM_001349349.1); short protein forms W2*, W37*.
Identifiers: ClinVar variation 2072034 (VCV002072034.4), dbSNP rs2487359201, ClinGen allele CA370665536.